The following is an entry in ClinVar:

NM_007194.4(CHEK2):c.261G>A (p.Glu87=)

Gene: CHEK2 (checkpoint kinase 2; minus strand). Cytogenetic location: 22q12.1.
Variant type: single nucleotide variant.
Coding change: c.261G>A on transcript NM_007194.4 (MANE Select); coding-DNA position 261, G replaced by A.
Protein change: p.Glu87=; no amino-acid change (glutamic acid 87 retained).
Molecular consequence: synonymous variant.
Genome position (GRCh38, 1-based): chr22:28,734,461, C>T on the plus strand (G>A on the coding strand, the complement: CHEK2 is on the minus strand). VCF-style: chr22-28734461-C-T. GRCh37 (hg19) VCF-style: chr22-29130449-C-T.
Other names: c.261G>A, p.Glu87= (NM_001005735.3, NM_001349956.3, NM_145862.3); c.-517G>A (NM_001257387.3).
Identifiers: ClinVar variation 1138916 (VCV001138916.13), dbSNP rs2146145556, ClinGen allele CA513946450.

ClinVar aggregate classification (germline): Benign/Likely benign. Review status: criteria provided, multiple submitters, no conflicts (2 of 4 stars). 3 submissions from 3 submitters: Benign (1); Likely benign (2). Last evaluated 2025-03-19.

Conditions:
Familial cancer of breast. Also called: hereditary breast carcinoma; Hereditary breast cancer; BREAST CANCER, FAMILIAL. Identifiers: Orphanet 227535, MedGen C0346153, MONDO:0016419, OMIM 114480. Disease mechanism: loss of function.
Hereditary cancer-predisposing syndrome. Also called: Hereditary neoplastic syndrome; Hereditary Cancer Syndrome; Tumor predisposition; Neoplastic Syndromes, Hereditary. Identifiers: Orphanet 140162, MedGen C0027672, MeSH D009386, MONDO:0015356.

Submissions (3):

Labcorp Genetics (formerly Invitae), Labcorp
Classification: Likely benign for Familial cancer of breast. Last evaluated: 2025-03-19. Review status: criteria provided, single submitter. Criteria: Invitae Variant Classification Sherloc (09022015). Collection method: clinical testing. Allele origin: germline.

Myriad Genetics, Inc.
Classification: Benign for Familial cancer of breast. Last evaluated: 2024-10-01. Review status: criteria provided, single submitter. Criteria: Myriad Autosomal Dominant, Autosomal Recessive and X-Linked Classification Criteria (2023). Collection method: clinical testing. Allele origin: unknown.
Comment: This variant is considered benign. This variant is a silent/synonymous amino acid change and it is not expected to impact splicing.

Ambry Genetics
Classification: Likely benign for Hereditary cancer-predisposing syndrome. Last evaluated: 2019-08-18. Review status: criteria provided, single submitter. Criteria: Ambry Variant Classification Scheme 2023. Collection method: clinical testing. Allele origin: germline.